The following is an entry in ClinVar:

NM_001172501.3(SLC6A2):c.1584C>G (p.Phe528Leu)

Gene: SLC6A2 (solute carrier family 6 member 2; plus strand). Cytogenetic location: 16q12.2.
Variant type: single nucleotide variant.
Coding change: c.1584C>G on transcript NM_001172501.3 (MANE Select); coding-DNA position 1584, C replaced by G.
Protein change: p.Phe528Leu; replaces phenylalanine 528 with leucine.
Molecular consequence: missense variant.
Genome position (GRCh38, 1-based): chr16:55,699,648, C>G. VCF-style: chr16-55699648-C-G. GRCh37 (hg19) VCF-style: chr16-55733560-C-G.
Other names: c.1584C>G, p.Phe528Leu (NM_001043.3, NM_001172504.1); c.1269C>G, p.Phe423Leu (NM_001172502.1); short protein forms F528L, F423L.
Identifiers: ClinVar variation 426197 (VCV000426197.5), dbSNP rs1085307494, ClinGen allele CA395947895.
Genomic context (GRCh38, chr16:55,699,648, plus strand): 5'-GATGGGGTTCAGGCCGGGTCTATACTGGAGACTGTGCTGGAAGTTCGTCAGTCCTGCCTT[C>G]CTCCTGGTGTGTAGTGTCTGCAGGGAAGTCCTGCATGTGGGGAGGGGGCTGTGTCCAGGA-3'
Protein context (NP_001165972.1, residues 518-538): RLCWKFVSPA[Phe528Leu]LLFVVVVSII

ClinVar aggregate classification (germline): Uncertain significance (1 of 4 stars; one submission).

Conditions:
SLC6A2-related disorder.

Allele frequency attached by ClinVar (database versions not stated): gnomAD exomes below 0.00001.
gnomAD v4.1: 1 of 1,610,740 alleles (0.000062%); highest among the groups gnomAD compares: Non-Finnish European, 0.000085%; no homozygotes.

Submission:

GeneDx
Classification: Uncertain significance. Last evaluated: 2020-05-12. Review status: criteria provided, single submitter. Criteria: GeneDx Variant Classification Process June 2021. Collection method: clinical testing. Allele origin: germline. Affected: yes.
Comment: Not observed in large population cohorts (Lek et al., 2016); In silico analysis supports that this missense variant has a deleterious effect on protein structure/function; Has not been previously published as pathogenic or benign to our knowledge